The following is an entry in ClinVar:

ClinVar aggregate classification (germline): Likely pathogenic (0 of 4 stars; one submission).

Conditions:
Microcephaly, normal intelligence and immunodeficiency (NBS). Also called: Nijmegen breakage syndrome; Microcephaly with normal intelligence immunodeficiency and lymphoreticular malignancies; Nonsyndromal microcephaly autosomal recessive with normal intelligence; Seemanova syndrome 2; SEEMANOVA SYNDROME II; IMMUNODEFICIENCY, MICROCEPHALY, AND CHROMOSOMAL INSTABILITY. Identifiers: Orphanet 647, MedGen C0398791, MONDO:0009623, OMIM 251260.

Submission:

Department of Pathology and Laboratory Medicine, Sinai Health System
Classification: Likely pathogenic for Microcephaly, normal intelligence and immunodeficiency. Review status: no assertion criteria provided. Collection method: clinical testing. Allele origin: unknown. Affected: yes. Study: The Canadian Open Genetics Repository (COGR).
Comment: The NBN c.897-?_2184+?del variant (chr8:90955481_90976735del GRCh37) results in a deletion of exons 8 through 14, although the precise breakpoints of this deletion were not determined, nor were the effects of this variant on the resulting mRNA or protein product determined. The NBN c.897-?_2184+?del variant was not identified in the literature nor was it identified in the ClinVar or LOVD 3.0 databases. A similar copy number variant was identified once in the Genome Aggregation Database (Feb 27, 2017). This alteration is predicted to result in a truncated or absent protein and loss of function. Loss of function variants of the NBN gene are an established mechanism of disease in NBN-associated cancer predisposition and is the type of variant expected to cause the disorder. In summary, based on the above information the clinical significance of this variant cannot be determined with certainty at this time although we would lean towards a more pathogenic role for this variant. This variant is classified as likely pathogenic.

NM_002485.5(NBN):c.2071-1175_2184+2del

Gene: NBN (nibrin; minus strand). Cytogenetic location: 8q21.3.
Variant type: Deletion.
Coding change: c.2071-1175_2184+2del on transcript NM_002485.5 (MANE Select); 1175 bases into the intron before coding-DNA position 2071 through the canonical splice donor site of the intron after coding-DNA position 2184, 1,291 bases deleted.
Molecular consequence: splice acceptor variant, splice donor variant.
Genome position (GRCh38, 1-based): chr8:89,943,251-89,944,541, 1,291 bases deleted. GRCh37 (hg19): chr8:90,955,479-90,956,769.
Other names: c.1825-1175_1938+2del (NM_001024688.3).
Identifiers: ClinVar variation 1050463 (VCV001050463.1), ClinGen allele CA2499219403.